The following is an entry in ClinVar:

ClinVar aggregate classification (germline): Uncertain significance (1 of 4 stars; one submission).

Conditions:
Familial focal epilepsy with variable foci (FPEVF). Identifiers: Orphanet 98820, MedGen C1858477, MONDO:0020310.

Allele frequency attached by ClinVar (database versions not stated): gnomAD below 0.00001 and 0.00001; gnomAD exomes 0.00002 and 0.00004; ExAC 0.00006.
gnomAD v4.1: 28 of 1,553,662 alleles (0.0018%); highest among the groups gnomAD compares: South Asian, 0.034%; no homozygotes.

Submission:

Labcorp Genetics (formerly Invitae), Labcorp
Classification: Uncertain significance for Familial focal epilepsy with variable foci. Last evaluated: 2025-03-30. Review status: criteria provided, single submitter. Criteria: Invitae Variant Classification Sherloc (09022015). Collection method: clinical testing. Allele origin: germline.
Comment: This sequence change replaces alanine, which is neutral and non-polar, with threonine, which is neutral and polar, at codon 240 of the DEPDC5 protein (p.Ala240Thr). This variant is present in population databases (rs761256495, gnomAD 0.03%). This variant has not been reported in the literature in individuals affected with DEPDC5-related conditions. ClinVar contains an entry for this variant (Variation ID: 953683). An algorithm developed to predict the effect of missense changes on protein structure and function outputs the following: PolyPhen-2: "Not Available". The threonine amino acid residue is found in multiple mammalian species, which suggests that this missense change does not adversely affect protein function. In summary, the available evidence is currently insufficient to determine the role of this variant in disease. Therefore, it has been classified as a Variant of Uncertain Significance.

NM_001242896.3(DEPDC5):c.718G>A (p.Ala240Thr)

Gene: DEPDC5 (DEP domain containing 5, GATOR1 subcomplex subunit; plus strand). Cytogenetic location: 22q12.2.
Variant type: single nucleotide variant.
Coding change: c.718G>A on transcript NM_001242896.3 (MANE Select); coding-DNA position 718, G replaced by A.
Protein change: p.Ala240Thr; replaces alanine 240 with threonine.
Molecular consequence: missense variant. On other transcripts: non-coding transcript variant (5).
Genome position (GRCh38, 1-based): chr22:31,792,768, G>A. VCF-style: chr22-31792768-G-A. GRCh37 (hg19) VCF-style: chr22-32188754-G-A.
Other names: c.718G>A, p.Ala240Thr (NM_001007188.4, NM_001136029.4, NM_001242897.2 and 7 more transcripts); c.634G>A, p.Ala212Thr (NM_001369901.1, NM_001369902.1); short protein forms A212T, A240T.
Identifiers: ClinVar variation 953683 (VCV000953683.9), dbSNP rs761256495, ClinGen allele CA10196091.